The following is an entry in ClinVar:

ClinVar aggregate classification (germline): Uncertain significance (1 of 4 stars; one submission).

Allele frequency attached by ClinVar (database versions not stated): gnomAD exomes below 0.00001; ExAC 0.00003; gnomAD 0.00003; TOPMed 0.00006.

Submission:

Women's Health and Genetics/Laboratory Corporation of America, LabCorp
Classification: Uncertain significance. Last evaluated: 2022-07-15. Review status: criteria provided, single submitter. Criteria: LabCorp Variant Classification Summary - May 2015. Collection method: clinical testing. Allele origin: germline.
Comment: Variant summary: SLC37A4 c.*66_*68delAAG is located in the untranslated mRNA region downstream of the termination codon. The variant allele was found at a frequency of 5.1e-06 in 196430 control chromosomes. The available data on variant occurrences in the general population are insufficient to allow any conclusion about variant significance. To our knowledge, no occurrence of c.*66_*68delAAG in individuals affected with Glycogen Storage Disease Type Ib and no experimental evidence demonstrating its impact on protein function have been reported. No clinical diagnostic laboratories have submitted clinical-significance assessments for this variant to ClinVar after 2014. Based on the evidence outlined above, the variant was classified as uncertain significance.

NM_001164277.2(SLC37A4):c.*66_*68del

Gene: SLC37A4 (solute carrier family 37 member 4; minus strand). Cytogenetic location: 11q23.3.
Variant type: Deletion.
Coding change: c.*66_*68del on transcript NM_001164277.2 (MANE Select); 66 bases downstream of the stop codon through 68 bases downstream of the stop codon, 3 bases deleted (AAG; older notation c.*66_*68delAAG).
Molecular consequence: 3 prime UTR variant.
Genome position (GRCh38, 1-based): chr11:119,024,842-119,024,844, CTT deleted on the plus strand (AAG on the coding strand, the reverse complement: SLC37A4 is on the minus strand). VCF-style (leftmost placement, unchanged base first): chr11-119024841-CCTT-C. GRCh37 (hg19) VCF-style: chr11-118895551-CCTT-C.
Other names: c.*66_*68del (NM_001164278.2, NM_001164279.2, NM_001164280.2 and 1 more transcripts).
Identifiers: ClinVar variation 1704520 (VCV001704520.1), dbSNP rs782551469, ClinGen allele CA6311553.